The following is an entry in ClinVar:

ClinVar aggregate classification (germline): Likely pathogenic (1 of 4 stars; one submission).

Submission:

Mayo Clinic Laboratories, Mayo Clinic
Classification: Likely pathogenic. Last evaluated: 2023-01-25. Review status: criteria provided, single submitter. Criteria: ACMG Guidelines, 2015. Collection method: clinical testing. Allele origin: germline. Observed: 1 variant allele.
Comment: PM2_supporting, PVS1

NM_001267550.2(TTN):c.64680del (p.Gly21561fs)

Genes: TTN (titin; minus strand), TTN-AS1 (TTN antisense RNA 1; plus strand). Cytogenetic location: 2q31.2.
Variant type: Deletion.
Coding change: c.64680del on transcript NM_001267550.2 (MANE Select); coding-DNA position 64680, one base deleted (C; older notation c.64680delC).
Protein change: p.Gly21561fs; shifts the reading frame from glycine 21561.
Molecular consequence: frameshift variant. On other transcripts: non-coding transcript variant (1).
Genome position (GRCh38, 1-based): chr2:178,584,961, G deleted on the plus strand (C on the coding strand, the reverse complement: TTN is on the minus strand); the first of 5 consecutive G bases (chr2:178,584,961-178,584,965); deleting any one gives the same sequence. VCF-style (leftmost placement, unchanged base first): chr2-178584960-CG-C. GRCh37 (hg19) VCF-style: chr2-179449687-CG-C.
Other names: p.Gly19920Alafs*12; c.59757del, p.Gly19920fs (NM_001256850.1); c.37485del, p.Gly12496fs (NM_003319.4); c.56976del, p.Gly18993fs (NM_133378.4); c.37860del, p.Gly12621fs (NM_133432.3); c.38061del, p.Gly12688fs (NM_133437.4); short protein forms G12496fs, G12621fs, G12688fs, G18993fs, G19920fs, G21561fs.
Identifiers: ClinVar variation 2683640 (VCV002683640.1), dbSNP rs794729330, ClinGen allele CA645518119.